The following is an entry in ClinVar:

NM_007254.4(PNKP):c.1127-3C>T

Gene: PNKP (polynucleotide kinase 3'-phosphatase; minus strand). Cytogenetic location: 19q13.33.
Variant type: single nucleotide variant.
Coding change: c.1127-3C>T on transcript NM_007254.4 (MANE Select); 3 bases into the intron before coding-DNA position 1127, C replaced by T.
Molecular consequence: intron variant.
Genome position (GRCh38, 1-based): chr19:49,862,108, G>A on the plus strand (C>T on the coding strand, the complement: PNKP is on the minus strand). VCF-style: chr19-49862108-G-A. GRCh37 (hg19) VCF-style: chr19-50365365-G-A.
Identifiers: ClinVar variation 1962153 (VCV001962153.5), dbSNP rs2514634912, ClinGen allele CA2580097664.
Genomic context (GRCh38, chr19:49,862,108, plus strand): 5'-TTCACGTGGACATATCCGGCCGACACGAGGTGCTTCTTGAGAAAGGTGGACTTCCCGGCT[G>A]TGTGGGGGGCAGTGTCGGTGGGTGGCCTAGGACCCAGGCGGGGCTCAGGGCACGCGCACA-3'

ClinVar aggregate classification (germline): Uncertain significance (1 of 4 stars; one submission).

Conditions:
Developmental and epileptic encephalopathy, 12 (DEE12). Identifiers: MedGen C3150988, MONDO:0013389, OMIM 613722.

Submission:

Labcorp Genetics (formerly Invitae), Labcorp
Classification: Uncertain significance for Developmental and epileptic encephalopathy, 12. Last evaluated: 2022-06-11. Review status: criteria provided, single submitter. Criteria: Invitae Variant Classification Sherloc (09022015). Collection method: clinical testing. Allele origin: germline.
Comment: In summary, the available evidence is currently insufficient to determine the role of this variant in disease. Therefore, it has been classified as a Variant of Uncertain Significance. Variants that disrupt the consensus splice site are a relatively common cause of aberrant splicing (PMID: 17576681, 9536098). Algorithms developed to predict the effect of sequence changes on RNA splicing suggest that this variant is not likely to affect RNA splicing. This variant has not been reported in the literature in individuals affected with PNKP-related conditions. This variant is not present in population databases (gnomAD no frequency). This sequence change falls in intron 12 of the PNKP gene. It does not directly change the encoded amino acid sequence of the PNKP protein. It affects a nucleotide within the consensus splice site.

Literature cited by the submitters: PubMed 17576681; PubMed 9536098.